The following is an entry in ClinVar:

NM_000306.4(POU1F1):c.143-73T>G

Gene: POU1F1 (POU class 1 homeobox 1; minus strand). Cytogenetic location: 3p11.2.
Variant type: single nucleotide variant.
Coding change: c.143-73T>G on transcript NM_000306.4 (MANE Select); 73 bases into the intron before coding-DNA position 143, T replaced by G.
Molecular consequence: intron variant. On other transcripts: missense variant (1).
Genome position (GRCh38, 1-based): chr3:87,273,491, A>C on the plus strand (T>G on the coding strand, the complement: POU1F1 is on the minus strand). VCF-style: chr3-87273491-A-C. GRCh37 (hg19) VCF-style: chr3-87322641-A-C.
Other names: c.148T>G, p.Ser50Ala (NM_001122757.3); short protein forms S50A.
Identifiers: ClinVar variation 1285380 (VCV001285380.3), dbSNP rs2106940853, ClinGen allele CA353695654.

ClinVar aggregate classification (germline): Uncertain significance. Review status: criteria provided, single submitter (1 of 4 stars). 2 submissions from 2 submitters: Uncertain significance (1). 1 of the submissions does not count toward it.

Conditions:
Pituitary hormone deficiency, combined, 1 (CPHD1). Also called: Pituitary hormone deficiency, combined or isolated, 1. Identifiers: MedGen C2751608, MONDO:0024464, OMIM 613038.

Submissions (2):

Suma Genomics
Classification: Uncertain significance for Pituitary hormone deficiency, combined, 1. Review status: criteria provided, single submitter. Criteria: ACMG Guidelines, 2015. Collection method: clinical testing. Allele origin: de novo. Inheritance: Autosomal dominant inheritance. Affected: yes. Observed: 1 heterozygote.
Comment: This variant is not observed in parents and the gnoMAD database. In-silico analysis tools REVEL and SpliceAl are uncertain in predicting this variant to be disease-causing. ACMG classification: Variant of uncertain significance (VUS) Criteria met: PS3_Supporting: Functional studies (PMID: 34270938) PM2_Supporting: The variant is not observed in the gnomAD database. PM6: De novo in a patient with phenotype consistency, no family history, and both maternity and paternity are assumed.

OMIM
Classification: Pathogenic for PITUITARY HORMONE DEFICIENCY, COMBINED, 1. Last evaluated: 2024-10-10. Review status: no assertion criteria provided. Collection method: literature only. Allele origin: germline. Not counted in ClinVar's aggregate classification.

Literature cited by the submitters: PubMed 34270938 (cited by OMIM).